The following is an entry in ClinVar:

NM_033305.3(VPS13A):c.2500del (p.Val834fs)

Gene: VPS13A (vacuolar protein sorting 13 homolog A; plus strand). Cytogenetic location: 9q21.2.
Variant type: Deletion.
Coding change: c.2500del on transcript NM_033305.3 (MANE Select); coding-DNA position 2500, one base deleted (G; older notation c.2500delG).
Protein change: p.Val834fs; shifts the reading frame from valine 834.
Molecular consequence: frameshift variant.
Genome position (GRCh38, 1-based): chr9:77,273,352, G deleted. VCF-style (leftmost placement, unchanged base first): chr9-77273351-TG-T. GRCh37 (hg19) VCF-style: chr9-79888267-TG-T.
Other names: c.2500del, p.Val834fs (NM_001018037.2, NM_001018038.3, NM_015186.4); short protein forms V834fs.
Identifiers: ClinVar variation 1456540 (VCV001456540.7), dbSNP rs2131325474, ClinGen allele CA2573144710.

ClinVar aggregate classification (germline): Pathogenic/Likely pathogenic. Review status: criteria provided, multiple submitters, no conflicts (2 of 4 stars). 2 submissions from 2 submitters: Pathogenic (1); Likely pathogenic (1). Last evaluated 2022-08-15.

Conditions:
VPS13A-related neurodegenerative disease. Also called: Choreoacanthocytosis; Chorea-acanthocytosis; VPS13A Disease; Choreaacanthocytosis; ACANTHOCYTOSIS WITH NEUROLOGIC DISORDER; LEVINE-CRITCHLEY SYNDROME. Identifiers: Orphanet 2388, MedGen C0393576, MONDO:0008695, OMIM 200150.

Allele frequency attached by ClinVar (database versions not stated): gnomAD exomes 0.00001.

Submissions (2):

Labcorp Genetics (formerly Invitae), Labcorp
Classification: Pathogenic. Last evaluated: 2022-08-15. Review status: criteria provided, single submitter. Criteria: Invitae Variant Classification Sherloc (09022015). Collection method: clinical testing. Allele origin: germline.
Comment: For these reasons, this variant has been classified as Pathogenic. ClinVar contains an entry for this variant (Variation ID: 1456540). This variant has not been reported in the literature in individuals affected with VPS13A-related conditions. This variant is not present in population databases (gnomAD no frequency). This sequence change creates a premature translational stop signal (p.Val834Phefs*43) in the VPS13A gene. It is expected to result in an absent or disrupted protein product. Loss-of-function variants in VPS13A are known to be pathogenic (PMID: 12404112, 21598378).

Fulgent Genetics
Classification: Likely pathogenic for VPS13A-related neurodegenerative disease. Last evaluated: 2022-03-30. Review status: criteria provided, single submitter. Criteria: ACMG Guidelines, 2015. Collection method: clinical testing. Allele origin: unknown.

Literature cited by the submitters: PubMed 12404112 (cited by Labcorp Genetics (formerly Invitae), Labcorp); PubMed 21598378 (cited by Labcorp Genetics (formerly Invitae), Labcorp).